The following is an entry in ClinVar:

ClinVar aggregate classification (germline): Pathogenic. Review status: criteria provided, single submitter (1 of 4 stars). 4 submissions from 4 submitters: Pathogenic (1). 3 of the submissions do not count toward it. Last evaluated 2024-09-04.

Conditions:
Epidermolysis bullosa simplex 1A, generalized severe (EBS1A). Also called: Epidermolysis bullosa simplex Dowling-Meara type. Identifiers: Orphanet 79396, MedGen C0079295, MONDO:0007550, OMIM 131760.

Submissions (4):

GeneDx
Classification: Pathogenic. Last evaluated: 2024-09-04. Review status: criteria provided, single submitter. Criteria: GeneDx Variant Classification Process June 2021. Collection method: clinical testing. Allele origin: germline. Affected: yes.
Comment: Identified in multiple unrelated patients with features consistent with generalized severe EBS, previously referred to as Dowling-Meara type, referred for genetic testing at GeneDx and in published literature (PMID: 22890742, 9989794, 16098032); Located in the highly conserved helix initiation motif of the alpha-helical rod domain, which is intolerant to change; variants in this motif interfere with proper keratin intermediate filament assembly and function, resulting in skin fragility and/or hyperkeratosis (PMID: 21176769); Not observed at significant frequency in large population cohorts (gnomAD); In silico analysis supports that this missense variant has a deleterious effect on protein structure/function; This variant is associated with the following publications: (PMID: 29932457, 22890742, 9989794, 36923479, 21176769, 16098032)

OMIM
Classification: Pathogenic for EPIDERMOLYSIS BULLOSA SIMPLEX 1A, GENERALIZED SEVERE. Last evaluated: 2005-08-01. Review status: no assertion criteria provided. Collection method: literature only. Allele origin: germline. Not counted in ClinVar's aggregate classification.

Epithelial Biology;  Institute of Medical Biology, Singapore
No classification provided. Review status: no classification provided. Collection method: not provided. Allele origin: not provided. Not counted in ClinVar's aggregate classification.

GeneReviews
No classification provided. Condition: Epidermolysis bullosa simplex 1A, generalized severe. Review status: no classification provided. Collection method: literature only. Allele origin: unknown. Not counted in ClinVar's aggregate classification.

Literature cited by the submitters: PubMed 16098032 (cited by OMIM); PubMed 26743602 (cited by OMIM); PubMed 20301543 (cited by GeneReviews); NCBI Bookshelf NBK1369 (cited by GeneReviews).

NM_000526.5(KRT14):c.368A>G (p.Asn123Ser)

Gene: KRT14 (keratin 14; minus strand). Cytogenetic location: 17q21.2.
Variant type: single nucleotide variant.
Coding change: c.368A>G on transcript NM_000526.5 (MANE Select); coding-DNA position 368, A replaced by G.
Protein change: p.Asn123Ser; replaces asparagine 123 with serine.
Molecular consequence: missense variant.
Genome position (GRCh38, 1-based): chr17:41,586,467, T>C on the plus strand (A>G on the coding strand, the complement: KRT14 is on the minus strand). VCF-style: chr17-41586467-T-C. GRCh37 (hg19) VCF-style: chr17-39742719-T-C.
Other names: short protein forms N123S.
Identifiers: ClinVar variation 14628 (VCV000014628.9), dbSNP rs60171927, ClinGen allele CA216911.